The following is an entry in ClinVar:

ClinVar aggregate classification (germline): Uncertain significance (1 of 4 stars; one submission).

gnomAD v4.1: 1 of 1,613,820 alleles (0.000062%); highest among the groups gnomAD compares: African/African-American, 0.0013%; no homozygotes.

Submission:

Labcorp Genetics (formerly Invitae), Labcorp
Classification: Uncertain significance. Last evaluated: 2024-12-15. Review status: criteria provided, single submitter. Criteria: Invitae Variant Classification Sherloc (09022015). Collection method: clinical testing. Allele origin: germline.
Comment: This sequence change replaces serine, which is neutral and polar, with proline, which is neutral and non-polar, at codon 77 of the VPS33B protein (p.Ser77Pro). This variant is not present in population databases (gnomAD no frequency). This variant has not been reported in the literature in individuals affected with VPS33B-related conditions. Invitae Evidence Modeling of protein sequence and biophysical properties (such as structural, functional, and spatial information, amino acid conservation, physicochemical variation, residue mobility, and thermodynamic stability) indicates that this missense variant is not expected to disrupt VPS33B protein function with a negative predictive value of 80%. In summary, the available evidence is currently insufficient to determine the role of this variant in disease. Therefore, it has been classified as a Variant of Uncertain Significance.

NM_018668.5(VPS33B):c.229T>C (p.Ser77Pro)

Gene: VPS33B (VPS33B late endosome and lysosome associated; minus strand). Cytogenetic location: 15q26.1.
Variant type: single nucleotide variant.
Coding change: c.229T>C on transcript NM_018668.5 (MANE Select); coding-DNA position 229, T replaced by C.
Protein change: p.Ser77Pro; replaces serine 77 with proline.
Molecular consequence: missense variant. On other transcripts: intron variant (1).
Genome position (GRCh38, 1-based): chr15:91,016,973, A>G on the plus strand (T>C on the coding strand, the complement: VPS33B is on the minus strand). VCF-style: chr15-91016973-A-G. GRCh37 (hg19) VCF-style: chr15-91560203-A-G.
Other names: c.148T>C, p.Ser50Pro (NM_001289148.1); c.-35+832T>C (NM_001289149.1); short protein forms S50P, S77P.
Identifiers: ClinVar variation 3631128 (VCV003631128.2).
Genomic context (GRCh38, chr15:91,016,973, plus strand): 5'-TAGGGACCTCTTCCAGCTTGGAGTAGGGACAGACTCTCCCAGACACTCACTGTTCATTGG[A>G]GCTGAGGGCTGGCTTGTTCTCCACCTTGTATAGCTTGTCTACTTCGTGTTGCTACAGAGA-3'
Protein context (NP_061138.3, residues 67-87): YKVENKPALS[Ser77Pro]NEQLCFLVRP